The following is an entry in ClinVar:

ClinVar aggregate classification (germline): Uncertain significance. Review status: criteria provided, multiple submitters, no conflicts (2 of 4 stars). 2 submissions from 2 submitters: Uncertain significance (2). Last evaluated 2022-10-17.

Conditions:
Inborn genetic diseases. Identifiers: MedGen C0950123, MeSH D030342.

Allele frequency attached by ClinVar (database versions not stated): 1000 Genomes Project 0.00020; gnomAD 0.00021; TOPMed 0.00021; 1000 Genomes Project 30x 0.00031; ESP Exome Variant Server 0.00054.

Submissions (2):

Ambry Genetics
Classification: Uncertain significance for Inborn genetic diseases. Last evaluated: 2022-10-17. Review status: criteria provided, single submitter. Criteria: Ambry Variant Classification Scheme 2023. Collection method: clinical testing. Allele origin: germline.

Labcorp Genetics (formerly Invitae), Labcorp
Classification: Uncertain significance. Last evaluated: 2022-08-16. Review status: criteria provided, single submitter. Criteria: Invitae Variant Classification Sherloc (09022015). Collection method: clinical testing. Allele origin: germline.
Comment: This sequence change replaces methionine, which is neutral and non-polar, with valine, which is neutral and non-polar, at codon 142 of the SEPSECS protein (p.Met142Val). This variant is present in population databases (rs79599769, gnomAD 0.03%). This variant has not been reported in the literature in individuals affected with SEPSECS-related conditions. Algorithms developed to predict the effect of missense changes on protein structure and function output the following: SIFT: "Deleterious"; PolyPhen-2: "Benign"; Align-GVGD: "Class C0". The valine amino acid residue is found in multiple mammalian species, which suggests that this missense change does not adversely affect protein function. In summary, the available evidence is currently insufficient to determine the role of this variant in disease. Therefore, it has been classified as a Variant of Uncertain Significance.

NM_016955.4(SEPSECS):c.424A>G (p.Met142Val)

Gene: SEPSECS (Sep (O-phosphoserine) tRNA:Sec (selenocysteine) tRNA synthase; minus strand). Cytogenetic location: 4p15.2.
Variant type: single nucleotide variant.
Coding change: c.424A>G on transcript NM_016955.4 (MANE Select); coding-DNA position 424, A replaced by G.
Protein change: p.Met142Val; replaces methionine 142 with valine.
Molecular consequence: missense variant.
Genome position (GRCh38, 1-based): chr4:25,156,160, T>C on the plus strand (A>G on the coding strand, the complement: SEPSECS is on the minus strand). VCF-style: chr4-25156160-T-C. GRCh37 (hg19) VCF-style: chr4-25157782-T-C.
Other names: c.679A>G, p.Met227Val (NM_001410714.1); c.424A>G, p.Met142Val (NM_153825.2); c.424A>G (NM_016955.3); short protein forms M142V, M227V.
Identifiers: ClinVar variation 2145816 (VCV002145816.2), dbSNP rs79599769, ClinGen allele CA2877435.